The following is an entry in ClinVar:

ClinVar aggregate classification (germline): Conflicting classifications of pathogenicity. Review status: criteria provided, conflicting classifications (1 of 4 stars). 4 submissions from 4 submitters: Uncertain significance (3); Likely benign (1). Last evaluated 2025-07-21.

Conditions:
Hereditary cancer-predisposing syndrome. Also called: Tumor predisposition; Neoplastic Syndromes, Hereditary; Hereditary Cancer Syndrome; Hereditary neoplastic syndrome. Identifiers: Orphanet 140162, MedGen C0027672, MeSH D009386, MONDO:0015356.
Fanconi anemia complementation group O. Also called: RAD51C-Related Fanconi Anemia. Identifiers: Orphanet 84, MedGen C3150653, MONDO:0013248, OMIM 613390.

gnomAD v4.1: 1 of 1,614,202 alleles (0.000062%); highest among the groups gnomAD compares: East Asian, 0.0022%; no homozygotes.

Submissions (4):

Labcorp Genetics (formerly Invitae), Labcorp
Classification: Uncertain significance for Fanconi anemia complementation group O. Last evaluated: 2025-07-21. Review status: criteria provided, single submitter. Criteria: Invitae Variant Classification Sherloc (09022015). Collection method: clinical testing. Allele origin: germline.
Comment: This sequence change replaces isoleucine, which is neutral and non-polar, with valine, which is neutral and non-polar, at codon 64 of the RAD51C protein (p.Ile64Val). This variant is present in population databases (no rsID available, gnomAD 0.006%). This variant has not been reported in the literature in individuals affected with RAD51C-related conditions. ClinVar contains an entry for this variant (Variation ID: 486272). Invitae Evidence Modeling of protein sequence and biophysical properties (such as structural, functional, and spatial information, amino acid conservation, physicochemical variation, residue mobility, and thermodynamic stability) indicates that this missense variant is not expected to disrupt RAD51C protein function with a negative predictive value of 80%. In summary, the available evidence is currently insufficient to determine the role of this variant in disease. Therefore, it has been classified as a Variant of Uncertain Significance.

GeneDx
Classification: Uncertain significance. Last evaluated: 2024-03-17. Review status: criteria provided, single submitter. Criteria: GeneDx Variant Classification Process June 2021. Collection method: clinical testing. Allele origin: germline. Affected: yes.
Comment: Not observed at significant frequency in large population cohorts (gnomAD); In silico analysis supports that this missense variant does not alter protein structure/function; Has not been previously published as pathogenic or benign to our knowledge

Color Diagnostics, LLC DBA Color Health
Classification: Uncertain significance for Hereditary cancer-predisposing syndrome. Last evaluated: 2024-03-07. Review status: criteria provided, single submitter. Criteria: ACMG Guidelines, 2015. Collection method: clinical testing. Allele origin: germline.
Comment: This missense variant replaces isoleucine with valine at codon 64 of the RAD51C protein. Computational prediction suggests that this variant may not impact protein structure and function (internally defined REVEL score threshold <= 0.5, PMID: 27666373). To our knowledge, functional studies have not been reported for this variant. This variant has not been reported in individuals affected with hereditary cancer in the literature. This variant has been identified in 1/251426 chromosomes in the general population by the Genome Aggregation Database (gnomAD). The available evidence is insufficient to determine the role of this variant in disease conclusively. Therefore, this variant is classified as a Variant of Uncertain Significance.

Ambry Genetics
Classification: Likely benign for Hereditary cancer-predisposing syndrome. Last evaluated: 2024-02-26. Review status: criteria provided, single submitter. Criteria: Ambry Variant Classification Scheme 2023. Collection method: clinical testing. Allele origin: germline.

NM_058216.3(RAD51C):c.190A>G (p.Ile64Val)

Gene: RAD51C (RAD51 paralog C; plus strand). Cytogenetic location: 17q22.
Variant type: single nucleotide variant.
Coding change: c.190A>G on transcript NM_058216.3 (MANE Select); coding-DNA position 190, A replaced by G.
Protein change: p.Ile64Val; replaces isoleucine 64 with valine.
Molecular consequence: missense variant. On other transcripts: non-coding transcript variant (2).
Genome position (GRCh38, 1-based): chr17:58,694,975, A>G. VCF-style: chr17-58694975-A-G. GRCh37 (hg19) VCF-style: chr17-56772336-A-G.
Other names: c.190A>G, p.Ile64Val (NM_002876.4); short protein forms I64V.
Identifiers: ClinVar variation 486272 (VCV000486272.16), dbSNP rs770335248, ClinGen allele CA400339873.